The following is an entry in ClinVar:

NM_001110556.2(FLNA):c.1554C>T (p.Thr518=)

Gene: FLNA (filamin A; minus strand). Cytogenetic location: Xq28.
Variant type: single nucleotide variant.
Coding change: c.1554C>T on transcript NM_001110556.2 (MANE Select); coding-DNA position 1554, C replaced by T.
Protein change: p.Thr518=; no amino-acid change (threonine 518 retained).
Molecular consequence: synonymous variant.
Genome position (GRCh38, 1-based): chrX:154,365,362, G>A on the plus strand (C>T on the coding strand, the complement: FLNA is on the minus strand). VCF-style: chrX-154365362-G-A. GRCh37 (hg19) VCF-style: chrX-153593730-G-A.
Other names: c.1554C>T, p.Thr518= (NM_001456.4).
Identifiers: ClinVar variation 507575 (VCV000507575.5), dbSNP rs1557178984, ClinGen allele CA519709370.

ClinVar aggregate classification (germline): Likely benign. Review status: criteria provided, multiple submitters, no conflicts (2 of 4 stars). 3 submissions from 3 submitters: Likely benign (3). Last evaluated 2026-06-01.

Conditions:
Familial thoracic aortic aneurysm and aortic dissection (TAAD). Also called: Thoracic aortic aneurysms and dissections. Identifiers: Orphanet 91387, MedGen C4707243, MONDO:0019625.

Allele frequency attached by ClinVar (database versions not stated): gnomAD 0.00001; gnomAD exomes 0.00001.

Submissions (3):

CeGaT Center for Human Genetics Tuebingen
Classification: Likely benign. Last evaluated: 2026-06-01. Review status: criteria provided, single submitter. Criteria: CeGaT Center For Human Genetics Tuebingen Variant Classification Criteria Version 2. Collection method: clinical testing. Allele origin: germline. Affected: yes. Observed: 1 variant allele.
Comment: FLNA: BP4, BP7

Ambry Genetics
Classification: Likely benign for Familial thoracic aortic aneurysm and aortic dissection. Last evaluated: 2023-04-30. Review status: criteria provided, single submitter. Criteria: Ambry Variant Classification Scheme 2023. Collection method: clinical testing. Allele origin: germline.

GeneDx
Classification: Likely benign. Last evaluated: 2017-02-16. Review status: criteria provided, single submitter. Criteria: GeneDx Variant Classification (06012015). Collection method: clinical testing. Allele origin: germline. Affected: yes.
Comment: This variant is considered likely benign or benign based on one or more of the following criteria: it is a conservative change, it occurs at a poorly conserved position in the protein, it is predicted to be benign by multiple in silico algorithms, and/or has population frequency not consistent with disease.